The following is an entry in ClinVar:

ClinVar aggregate classification (germline): Uncertain significance (1 of 4 stars; one submission).

Allele frequency attached by ClinVar (database versions not stated): gnomAD exomes below 0.00001.
gnomAD v4.1: 4 of 1,613,182 alleles (0.00025%); highest among the groups gnomAD compares: South Asian, 0.0011%; no homozygotes.

Submission:

GeneDx
Classification: Uncertain significance. Last evaluated: 2023-02-09. Review status: criteria provided, single submitter. Criteria: GeneDx Variant Classification Process June 2021. Collection method: clinical testing. Allele origin: germline. Affected: yes.
Comment: Has not been previously published as pathogenic or benign to our knowledge; Not observed at significant frequency in large population cohorts (gnomAD); In silico analysis supports that this missense variant does not alter protein structure/function

NM_002317.7(LOX):c.1202G>A (p.Arg401His)

Genes: LOX (lysyl oxidase; minus strand), SRFBP1 (serum response factor binding protein 1; plus strand). Cytogenetic location: 5q23.1.
Variant type: single nucleotide variant.
Coding change: c.1202G>A on transcript NM_002317.7 (MANE Select); coding-DNA position 1202, G replaced by A.
Protein change: p.Arg401His; replaces arginine 401 with histidine.
Molecular consequence: missense variant.
Genome position (GRCh38, 1-based): chr5:122,070,098, C>T on the plus strand (G>A on the coding strand, the complement: LOX is on the minus strand). VCF-style: chr5-122070098-C-T. GRCh37 (hg19) VCF-style: chr5-121405793-C-T.
Other names: c.512G>A, p.Arg171His (NM_001178102.2); c.311G>A, p.Arg104His (NM_001317073.1); short protein forms R104H, R171H, R401H.
Identifiers: ClinVar variation 2575661 (VCV002575661.1), dbSNP rs1463695782, ClinGen allele CA360880211.